The following is an entry in ClinVar:

NM_001134363.3(RBM20):c.3262C>A (p.Pro1088Thr)

Gene: RBM20 (RNA binding motif protein 20; plus strand). Cytogenetic location: 10q25.2.
Variant type: single nucleotide variant.
Coding change: c.3262C>A on transcript NM_001134363.3 (MANE Select); coding-DNA position 3262, C replaced by A.
Protein change: p.Pro1088Thr; replaces proline 1088 with threonine.
Molecular consequence: missense variant.
Genome position (GRCh38, 1-based): chr10:110,821,881, C>A. VCF-style: chr10-110821881-C-A. GRCh37 (hg19) VCF-style: chr10-112581639-C-A.
Other names: short protein forms P1088T.
Identifiers: ClinVar variation 1011219 (VCV001011219.13), dbSNP rs969716149, ClinGen allele CA213229866.

ClinVar aggregate classification (germline): Conflicting classifications of pathogenicity. Review status: criteria provided, conflicting classifications (1 of 4 stars). 4 submissions from 4 submitters: Uncertain significance (3); Benign (1). Last evaluated 2025-11-05.

Conditions:
Dilated cardiomyopathy 1DD (CMD1DD). Identifiers: Orphanet 154, MedGen C2750995, MONDO:0013168, OMIM 613172.
Cardiovascular phenotype. Identifiers: MedGen CN230736.

Allele frequency attached by ClinVar (database versions not stated): TOPMed 0.00002.
gnomAD v4.1: 9 of 1,551,590 alleles (0.00058%); highest among the groups gnomAD compares: African/African-American, 0.0041%; no homozygotes.

Submissions (4):

Labcorp Genetics (formerly Invitae), Labcorp
Classification: Benign for Dilated cardiomyopathy 1DD. Last evaluated: 2025-11-05. Review status: criteria provided, single submitter. Criteria: Invitae Variant Classification Sherloc (09022015). Collection method: clinical testing. Allele origin: germline.

Ambry Genetics
Classification: Uncertain significance for Cardiovascular phenotype. Last evaluated: 2024-04-28. Review status: criteria provided, single submitter. Criteria: Ambry Variant Classification Scheme 2023. Collection method: clinical testing. Allele origin: germline.
Comment: The p.P1088T variant (also known as c.3262C>A), located in coding exon 11 of the RBM20 gene, results from a C to A substitution at nucleotide position 3262. The proline at codon 1088 is replaced by threonine, an amino acid with highly similar properties. This amino acid position is conserved. In addition, this alteration is predicted to be tolerated by in silico analysis. Based on the available evidence, the clinical significance of this variant remains unclear.

GeneDx
Classification: Uncertain significance. Last evaluated: 2023-12-13. Review status: criteria provided, single submitter. Criteria: GeneDx Variant Classification Process June 2021. Collection method: clinical testing. Allele origin: germline. Affected: yes.
Comment: Has not been previously published as pathogenic or benign to our knowledge; In silico analysis supports that this missense variant does not alter protein structure/function; Not observed at significant frequency in large population cohorts (gnomAD)

Fulgent Genetics
Classification: Uncertain significance for Dilated cardiomyopathy 1DD. Last evaluated: 2021-09-01. Review status: criteria provided, single submitter. Criteria: ACMG Guidelines, 2015. Collection method: clinical testing. Allele origin: unknown.